The following is an entry in ClinVar:

NM_000152.5(GAA):c.1551+1G>A

Gene: GAA (alpha glucosidase; plus strand). Cytogenetic location: 17q25.3.
Variant type: single nucleotide variant.
Coding change: c.1551+1G>A on transcript NM_000152.5 (MANE Select); the canonical splice donor site of the intron after coding-DNA position 1551, G replaced by A.
Molecular consequence: splice donor variant.
Genome position (GRCh38, 1-based): chr17:80,110,841, G>A. VCF-style: chr17-80110841-G-A. GRCh37 (hg19) VCF-style: chr17-78084640-G-A.
Other names: c.1551+1G>A (NM_001406741.1, NM_001406742.1, NM_001079803.3 and 1 more transcripts).
Identifiers: ClinVar variation 1065143 (VCV001065143.16), dbSNP rs770780848, ClinGen allele CA401367166.

ClinVar aggregate classification (germline): Pathogenic. Review status: reviewed by expert panel (3 of 4 stars). 6 submissions from 6 submitters: Pathogenic (1). 5 of the submissions do not count toward it. Last evaluated 2025-01-21.

Conditions:
Glycogen storage disease, type II (IOPD). Also called: Glucosidase acid-1,4-alpha deficiency; Pompe Disease; GLYCOGENOSIS, GENERALIZED, CARDIAC FORM; GSD II; POMPE DISEASE, INFANTILE-ONSET; GLYCOGEN STORAGE DISEASE II, INFANTILE-ONSET. Identifiers: Orphanet 365, MedGen C0017921, MONDO:0009290, OMIM 232300.

Submissions (6):

ClinGen Lysosomal Storage Disorder Variant Curation Expert Panel
Classification: Pathogenic for Glycogen storage disease, type II. Last evaluated: 2025-01-21. Review status: reviewed by expert panel. Criteria: clingen_lsd_acmg_specifications_v2-1. Collection method: curation. Allele origin: germline. Inheritance: Autosomal recessive inheritance.
Comment: The NM_000152.5:c.1551+1G>A variant alters the canonical donor splice site of intron 10 of GAA. RT-PCR and sequencing using cells from an individual who is compound heterozygous for this variant show that the predominant effect is skipping of exon 10 (GAA has 20 exons). Additionally, an immunoblot from a patient homozygous for this variant showed a specific band at ~105.8 kD, which is consistent with the size of the 110 kD precursor GAA protein minus 4.2 kD, caused by an in-frame skip of exon 10 (PMID: 25243733, 29428273). Skipping of exon 10 results in an in-frame deletion of amino acids 480-517. This region forms part of the GAA catalytic barrel (amino acids 347-727) including two residues, Trp481 and Trp516, which are important in active site architecture and substrate binding (Kroos et al, 2012, PMID 22253258; Deming et al, 2017; DOI 10.1101/212837; Roig-Zamboni et al, 2017, PMID: 29061980). Therefore, loss of this exon is expected to abolish GAA activity (PVS1). At least 5 patients with findings consistent with Pompe disease have been reported with this variant. GAA activity was reported for 5 patients and was deficient (<10% residual activity) (PMID: 29428273, 21550241, 27189384, 37542277) (PP4_Moderate). At least one patient is homozygous for the variant, 0.5 points (PMID: 29428273). One patient is compound heterozygous for the variant and c.1561G>A, p.E521K (PMID: 37542277, pathogenic by ClinGen LD VCEP, phase unknown), 0.5 points. Two patients are compound heterozygous for the variant and GAA variant c.-32-3C>G (PMID: 27189384). The allelic data from these patients will be used in the assessment of the second variant and is not included here to avoid circular logic. 1 point (PM3). This variant is absent in gnomAD v2.1.1 and gnomAD v4.1.0 (PM2_Supporting). Other variants at the same canonical donor splice site have been reported in patients with Pompe disease, including c.1551+1G>C, c.1551+1G>T, and c.1551+2T>G. One of these variants, c.1551+1G>C, has been classified as Pathogenic by the ClinGen LD VCEP. There is a ClinVar entry for this variant (Variation ID: 1065143). In summary, this variant meets the criteria to be classified as pathogenic for Pompe disease. GAA-specific ACMG/AMP criteria met, as specified by the ClinGen Lysosomal Diseases Variant Curation Expert Panel (Specifications Version 2.0): PVS1, PM3, PP4_Moderate, PM2_Supporting. (Classification approved by the ClinGen Lysosomal Diseases Variant Curation Expert Panel on January 21, 2025)

Genomenon, Inc
Classification: Pathogenic for Glycogen storage disease, type II. Last evaluated: 2026-07-01. Review status: criteria provided, single submitter. Criteria: Genomenon Sequence Variant Interpretation Standards - Updated. Collection method: curation. Allele origin: germline. Affected: yes. Not counted in ClinVar's aggregate classification.
Comment: GAA c.1551+1G>A is a canonical splice variant affecting the donor splice site of intron 10. It is predicted to affect mRNA splicing, leading to a deleterious effect on the GAA protein. This variant has been observed in at least one proband with a GAA-related disorder (PMID:37542277;29428273;27189384;22133539;21550241). At least one splicing study has demonstrated that this variant results in aberrant splicing (PMID:25243733). It is absent or not present at a significant frequency in gnomAD. In conclusion, we classify GAA c.1551+1G>A as a pathogenic variant.

GeneDx
Classification: Pathogenic. Last evaluated: 2025-02-20. Review status: criteria provided, single submitter. Criteria: GeneDx Variant Classification Process June 2021. Collection method: clinical testing. Allele origin: germline. Affected: yes. Not counted in ClinVar's aggregate classification.
Comment: Not observed at significant frequency in large population cohorts (gnomAD); Canonical splice site variant predicted to result in an in-frame loss of the adjacent exon in a gene for which loss of function is a known mechanism of disease; This variant is associated with the following publications: (PMID: 22133539, 28648663, 25243733, 34530085, 37542277, 29428273, 31342611, 27711114, 30155607, 22252923, 37235686, 38087756)

Natera, Inc.
Classification: Pathogenic for Glycogen storage disease type II. Last evaluated: 2025-01-16. Review status: criteria provided, single submitter. Criteria: Natera Variant Classification Schema (03/2026). Collection method: clinical testing. Allele origin: germline. Not counted in ClinVar's aggregate classification.
Comment: The c.1551+1G>A variant in GAA is a canonical splice donor site variant predicted to affect pre-mRNA splicing, which may result in an abnormal transcript and altered protein product. This variant is expected to result in nonsense mediated decay, truncation, or a dysfunctional protein product. This variant is rare in the general population with a frequency below the threshold expected for the associated phenotype(s). This variant has been observed in one or more individuals affected with the associated recessive disease, as either homozygous or compound heterozygous with a second variant (PMID: 34530085). Given the available evidence, this variant is classified as Pathogenic.

Labcorp Genetics (formerly Invitae), Labcorp
Classification: Pathogenic for Glycogen storage disease, type II. Last evaluated: 2022-05-12. Review status: criteria provided, single submitter. Criteria: Invitae Variant Classification Sherloc (09022015). Collection method: clinical testing. Allele origin: germline. Not counted in ClinVar's aggregate classification.
Comment: For these reasons, this variant has been classified as Pathogenic. Algorithms developed to predict the effect of sequence changes on RNA splicing suggest that this variant may disrupt the consensus splice site. ClinVar contains an entry for this variant (Variation ID: 1065143). Disruption of this splice site has been observed in individual(s) with Pompe disease (PMID: 22133539, 25243733, 28648663). This variant is not present in population databases (gnomAD no frequency). This sequence change affects a donor splice site in intron 10 of the GAA gene. It is expected to disrupt RNA splicing. Variants that disrupt the donor or acceptor splice site typically lead to a loss of protein function (PMID: 16199547), and loss-of-function variants in GAA are known to be pathogenic (PMID: 18425781, 22252923).

Women's Health and Genetics/Laboratory Corporation of America, LabCorp
Classification: Pathogenic for Glycogen storage disease, type II. Last evaluated: 2021-04-07. Review status: criteria provided, single submitter. Criteria: LabCorp Variant Classification Summary - May 2015. Collection method: clinical testing. Allele origin: germline. Not counted in ClinVar's aggregate classification.
Comment: Variant summary: GAA c.1551+1G>A is located in a canonical splice-site and is predicted to affect mRNA splicing resulting in a significantly altered protein due to either exon skipping, shortening, or inclusion of intronic material. Several computational tools predict a significant impact on normal splicing: Four predict the variant abolishes a canonical 5' splicing donor site. At least one publication reports experimental evidence that this variant affects mRNA splicing resulting in exon 10 skipping (Bergsma_2015). The variant was absent in 251156 control chromosomes. c.1551+1G>A has been reported in the literature in multiple individuals affected with Glycogen Storage Disease, Type 2 (Pompe Disease) (example, Mechler_2012, Bergsma_2015, Figueroa-Bonaparte_2016, Papadopoulos_2017, Poelman_2018, Semplicini_2018). These data indicate that the variant is very likely to be associated with disease. At least one publication reports experimental evidence evaluating an impact on protein function. The most pronounced variant effect results in <10% of normal activity in fibroblasts and leukocytes from a patient homozygous for this variant (example, Poelman_2018). No clinical diagnostic laboratories have submitted clinical-significance assessments for this variant to ClinVar after 2014. Based on the evidence outlined above, the variant was classified as pathogenic.

Literature cited by the submitters: PubMed 37542277 (cited by Genomenon, Inc); PubMed 29428273 (cited by Genomenon, Inc and Women's Health and Genetics/Laboratory Corporation of America, LabCorp); PubMed 27189384 (cited by Genomenon, Inc); PubMed 22133539 (cited by 3 submitters); PubMed 21550241 (cited by Genomenon, Inc); PubMed 25243733 (cited by 3 submitters); PubMed 34530085 (cited by Natera, Inc.); PubMed 28648663 (cited by Labcorp Genetics (formerly Invitae), Labcorp and Women's Health and Genetics/Laboratory Corporation of America, LabCorp); PubMed 16199547 (cited by Labcorp Genetics (formerly Invitae), Labcorp); PubMed 18425781 (cited by Labcorp Genetics (formerly Invitae), Labcorp); PubMed 22252923 (cited by Labcorp Genetics (formerly Invitae), Labcorp); PubMed 27711114 (cited by Women's Health and Genetics/Laboratory Corporation of America, LabCorp); PubMed 30155607 (cited by Women's Health and Genetics/Laboratory Corporation of America, LabCorp).